The following is an entry in ClinVar:

NM_004304.5(ALK):c.2414T>G (p.Ile805Ser)

Gene: ALK (ALK receptor tyrosine kinase; minus strand). Cytogenetic location: 2p23.2.
Variant type: single nucleotide variant.
Coding change: c.2414T>G on transcript NM_004304.5 (MANE Select); coding-DNA position 2414, T replaced by G.
Protein change: p.Ile805Ser; replaces isoleucine 805 with serine.
Molecular consequence: missense variant.
Genome position (GRCh38, 1-based): chr2:29,233,638, A>C on the plus strand (T>G on the coding strand, the complement: ALK is on the minus strand). VCF-style: chr2-29233638-A-C. GRCh37 (hg19) VCF-style: chr2-29456504-A-C.
Other names: short protein forms I805S.
Identifiers: ClinVar variation 4040305 (VCV004040305.1).

ClinVar aggregate classification (germline): Uncertain significance (1 of 4 stars; one submission).

Conditions:
Hereditary cancer-predisposing syndrome. Also called: Neoplastic Syndromes, Hereditary; Tumor predisposition; Hereditary neoplastic syndrome; Hereditary Cancer Syndrome. Identifiers: Orphanet 140162, MedGen C0027672, MeSH D009386, MONDO:0015356.

Submission:

Ambry Genetics
Classification: Uncertain significance for Hereditary cancer-predisposing syndrome. Last evaluated: 2025-03-22. Review status: criteria provided, single submitter. Criteria: Ambry Variant Classification Scheme 2023. Collection method: clinical testing. Allele origin: germline.
Comment: The p.I805S variant (also known as c.2414T>G), located in coding exon 14 of the ALK gene, results from a T to G substitution at nucleotide position 2414. The isoleucine at codon 805 is replaced by serine, an amino acid with dissimilar properties. This amino acid position is conserved. In addition, the in silico prediction for this alteration is inconclusive. Based on the available evidence, the clinical significance of this variant remains unclear.